The following is an entry in ClinVar:

NM_000322.5(PRPH2):c.479A>C (p.Gln160Pro)

Gene: PRPH2 (peripherin 2; minus strand). Cytogenetic location: 6p21.1.
Variant type: single nucleotide variant.
Coding change: c.479A>C on transcript NM_000322.5 (MANE Select); coding-DNA position 479, A replaced by C.
Protein change: p.Gln160Pro; replaces glutamine 160 with proline.
Molecular consequence: missense variant.
Genome position (GRCh38, 1-based): chr6:42,721,856, T>G on the plus strand (A>C on the coding strand, the complement: PRPH2 is on the minus strand). VCF-style: chr6-42721856-T-G. GRCh37 (hg19) VCF-style: chr6-42689594-T-G.
Other names: short protein forms Q160P.
Identifiers: ClinVar variation 2021984 (VCV002021984.4), dbSNP rs2548309643, ClinGen allele CA364137467.

ClinVar aggregate classification (germline): Likely pathogenic (1 of 4 stars; one submission).

Conditions:
PRPH2-related disorder. Also called: PRPH2-related condition; PRPH2-related disorders. Identifiers: MedGen CN239395.

Submission:

Labcorp Genetics (formerly Invitae), Labcorp
Classification: Likely pathogenic for PRPH2-related disorder. Last evaluated: 2023-08-28. Review status: criteria provided, single submitter. Criteria: Invitae Variant Classification Sherloc (09022015). Collection method: clinical testing. Allele origin: germline.
Comment: Advanced modeling of protein sequence and biophysical properties (such as structural, functional, and spatial information, amino acid conservation, physicochemical variation, residue mobility, and thermodynamic stability) performed at Invitae indicates that this missense variant is expected to disrupt PRPH2 protein function. In summary, the currently available evidence indicates that the variant is pathogenic, but additional data are needed to prove that conclusively. Therefore, this variant has been classified as Likely Pathogenic. ClinVar contains an entry for this variant (Variation ID: 2021984). This sequence change replaces glutamine, which is neutral and polar, with proline, which is neutral and non-polar, at codon 160 of the PRPH2 protein (p.Gln160Pro). This variant is not present in population databases (gnomAD no frequency). This missense change has been observed in individual(s) with Stargardt disease (Invitae).